The following is an entry in ClinVar:

ClinVar aggregate classification (germline): Uncertain significance (1 of 4 stars; one submission).

Conditions:
TUB-related disorder. Also called: TUB-related condition.

gnomAD v4.1: 1 of 1,612,948 alleles (0.000062%); highest among the groups gnomAD compares: African/African-American, 0.0013%; no homozygotes.

Submission:

PreventionGenetics, part of Exact Sciences
Classification: Uncertain significance for TUB-related condition. Last evaluated: 2024-12-03. Review status: criteria provided, single submitter. Criteria: ACMG Guidelines, 2015. Collection method: clinical testing. Allele origin: germline.
Comment: The TUB c.298C>A variant is predicted to result in the amino acid substitution p.Pro100Thr. To our knowledge, this variant has not been reported in the literature. This variant is reported in 0.011% of alleles in individuals of African descent in gnomAD. At this time, the clinical significance of this variant is uncertain due to the absence of conclusive functional and genetic evidence.

NM_177972.3(TUB):c.133C>A (p.Pro45Thr)

Gene: TUB (TUB bipartite transcription factor; plus strand). Cytogenetic location: 11p15.4.
Variant type: single nucleotide variant.
Coding change: c.133C>A on transcript NM_177972.3 (MANE Select); coding-DNA position 133, C replaced by A.
Protein change: p.Pro45Thr; replaces proline 45 with threonine.
Molecular consequence: missense variant.
Genome position (GRCh38, 1-based): chr11:8,090,111, C>A. VCF-style: chr11-8090111-C-A. GRCh37 (hg19) VCF-style: chr11-8111658-C-A.
Other names: c.151C>A, p.Pro51Thr (NM_001440538.1, NM_001440539.1, NM_001440540.1 and 1 more transcripts); c.133C>A, p.Pro45Thr (NM_001440541.1); c.298C>A, p.Pro100Thr (NM_003320.5); short protein forms P100T, P45T, P51T.
Identifiers: ClinVar variation 4980095 (VCV004980095.1).